The following is an entry in ClinVar:

NM_001277062.2(MFF):c.787A>G (p.Asn263Asp)

Gene: MFF (mitochondrial fission factor; plus strand). Cytogenetic location: 2q36.3.
Variant type: single nucleotide variant.
Coding change: c.787A>G on transcript NM_001277062.2 (MANE Select); coding-DNA position 787, A replaced by G.
Protein change: p.Asn263Asp; replaces asparagine 263 with aspartic acid.
Molecular consequence: missense variant. On other transcripts: non-coding transcript variant (1).
Genome position (GRCh38, 1-based): chr2:227,357,028, A>G. VCF-style: chr2-227357028-A-G. GRCh37 (hg19) VCF-style: chr2-228221744-A-G.
Other names: c.940A>G, p.Asn314Asp (NM_001277061.2, NM_020194.5); c.643A>G, p.Asn215Asp (NM_001277063.2); c.628A>G, p.Asn210Asp (NM_001277064.2); c.568A>G, p.Asn190Asp (NM_001277065.2, NM_001277066.2); c.577A>G, p.Asn193Asp (NM_001277067.1); c.670A>G, p.Asn224Asp (NM_001277068.1); short protein forms N190D, N215D, N224D, N314D, N263D, N193D, N210D.
Identifiers: ClinVar variation 1361792 (VCV001361792.6), dbSNP rs2106480313, ClinGen allele CA350857413.
Genomic context (GRCh38, chr2:227,357,028, plus strand): 5'-TGTTTGTTTTTCACTTAGATAATCAAACTAAATAGACGTCTACAACTTCTGGAAGAGGAG[A>G]ACAAAGAACGTGCTAAAAGAGAAATGGTCATGTATTCAATTACTGTAGCTTTCTGGCTGC-3'
Protein context (NP_001263991.1, residues 253-273): NRRLQLLEEE[Asn263Asp]KERAKREMVM

ClinVar aggregate classification (germline): Uncertain significance (1 of 4 stars; one submission).

Allele frequency attached by ClinVar (database versions not stated): gnomAD exomes below 0.00001.
gnomAD v4.1: 1 of 1,613,402 alleles (0.000062%); highest among the groups gnomAD compares: East Asian, 0.0022%; no homozygotes.

Submission:

Labcorp Genetics (formerly Invitae), Labcorp
Classification: Uncertain significance. Last evaluated: 2022-07-26. Review status: criteria provided, single submitter. Criteria: Invitae Variant Classification Sherloc (09022015). Collection method: clinical testing. Allele origin: germline.
Comment: ClinVar contains an entry for this variant (Variation ID: 1361792). This sequence change replaces asparagine, which is neutral and polar, with aspartic acid, which is acidic and polar, at codon 314 of the MFF protein (p.Asn314Asp). This variant is not present in population databases (gnomAD no frequency). This variant has not been reported in the literature in individuals affected with MFF-related conditions. Algorithms developed to predict the effect of missense changes on protein structure and function are either unavailable or do not agree on the potential impact of this missense change (SIFT: "Deleterious"; PolyPhen-2: "Probably Damaging"; Align-GVGD: "Class C15"). In summary, the available evidence is currently insufficient to determine the role of this variant in disease. Therefore, it has been classified as a Variant of Uncertain Significance.